The following is an entry in ClinVar:

NM_001845.6(COL4A1):c.4204G>A (p.Gly1402Ser)

Gene: COL4A1 (collagen type IV alpha 1 chain; minus strand). Cytogenetic location: 13q34.
Variant type: single nucleotide variant.
Coding change: c.4204G>A on transcript NM_001845.6 (MANE Select); coding-DNA position 4204, G replaced by A.
Protein change: p.Gly1402Ser; replaces glycine 1402 with serine.
Molecular consequence: missense variant.
Genome position (GRCh38, 1-based): chr13:110,163,508, C>T on the plus strand (G>A on the coding strand, the complement: COL4A1 is on the minus strand). VCF-style: chr13-110163508-C-T. GRCh37 (hg19) VCF-style: chr13-110815855-C-T.
Other names: short protein forms G1402S.
Identifiers: ClinVar variation 1675257 (VCV001675257.9), dbSNP rs1179536054, ClinGen allele CA388659319.
Genomic context (GRCh38, chr13:110,163,508, plus strand): 5'-AGTTTCGCAACCTACCAGTAGGCCCGGCAGGTCCCATCTCTCCTTTCTGGCCAGGGGCAC[C>T]GTCAAACCCAGGAATACCTGGAGGTCCAGGTATACCCACCAATCCTGTAACACCTGAGGC-3'
Protein context (NP_001836.3, residues 1392-1412): PGPPGIPGFD[Gly1402Ser]APGQKGEMGP

ClinVar aggregate classification (germline): Conflicting classifications of pathogenicity. Review status: criteria provided, conflicting classifications (1 of 4 stars). 3 submissions from 3 submitters: Likely pathogenic (2); Uncertain significance (1). Last evaluated 2025-07-14.

Conditions:
Brain small vessel disease 1 with or without ocular anomalies (BSVD1). Also called: Brain small vessel disease with or without ocular anomalies; PORENCEPHALY, TYPE 1, AUTOSOMAL DOMINANT; GOULD SYNDROME 1; BRAIN SMALL VESSEL DISEASE WITH HEMORRHAGE. Identifiers: Orphanet 2940, Orphanet 36383, Orphanet 99810, MedGen C4755307, MONDO:0008289, OMIM 175780.
Microangiopathy and leukoencephalopathy, pontine, autosomal dominant. Also called: DEMENTIA, HEREDITARY MULTI-INFARCT, SWEDISH TYPE; Pontine autosomal dominant microangiopathy with leukoencephalopathy. Identifiers: Orphanet 477749, MedGen C5231411, MONDO:0032814, OMIM 618564.
Retinal arterial tortuosity. Also called: RETINAL HEMORRHAGE WITH VASCULAR TORTUOSITY; Retinal arteries, tortuosity of. Identifiers: Orphanet 75326, MedGen C0423401, MONDO:0008373, OMIM 180000, HP:0000631.
Autosomal dominant familial hematuria-retinal arteriolar tortuosity-contractures syndrome. Also called: Hereditary Angiopathy with Nephropathy, Aneurysms, and Muscle Cramps (HANAC) Syndrome; Angiopathy, hereditary, with nephropathy, aneurysms, and muscle cramps. Identifiers: Orphanet 73229, MedGen C2673195, MONDO:0012726, OMIM 611773.
Hemorrhage, intracerebral, susceptibility to (ICH). Also called: Stroke, hemorrhagic, susceptibility to. Identifiers: MedGen C3281105, MONDO:0100533, OMIM 614519.

Allele frequency attached by ClinVar (database versions not stated): TOPMed below 0.00001; gnomAD exomes 0.00001.
gnomAD v4.1: 5 of 1,614,110 alleles (0.00031%); highest among the groups gnomAD compares: African/African-American, 0.0013%; no homozygotes.

Submissions (3):

GeneDx
Classification: Uncertain significance. Last evaluated: 2025-07-14. Review status: criteria provided, single submitter. Criteria: GeneDx Variant Classification Process June 2021. Collection method: clinical testing. Allele origin: germline. Affected: yes.
Comment: In silico analysis supports that this missense variant has a deleterious effect on protein structure/function; Affects a glycine residue in a Gly-X-Y motif in the triple helical region of the COL4A1 gene; Has not been previously published as pathogenic or benign to our knowledge

Labcorp Genetics (formerly Invitae), Labcorp
Classification: Likely pathogenic. Last evaluated: 2024-12-04. Review status: criteria provided, single submitter. Criteria: Invitae Variant Classification Sherloc (09022015). Collection method: clinical testing. Allele origin: germline.
Comment: This sequence change replaces glycine, which is neutral and non-polar, with serine, which is neutral and polar, at codon 1402 of the COL4A1 protein (p.Gly1402Ser). This variant is present in population databases (no rsID available, gnomAD 0.007%). This variant has not been reported in the literature in individuals affected with COL4A1-related conditions. ClinVar contains an entry for this variant (Variation ID: 1675257). Invitae Evidence Modeling of protein sequence and biophysical properties (such as structural, functional, and spatial information, amino acid conservation, physicochemical variation, residue mobility, and thermodynamic stability) indicates that this missense variant is expected to disrupt COL4A1 protein function with a positive predictive value of 95%. This variant disrupts the triple helix domain of COL4A1. Glycine residues within the Gly-Xaa-Yaa repeats of the triple helix domain are required for the structure and stability of fibrillar collagens (PMID: 7695699, 8218237, 19344236). In COL4A1 variants affecting these glycine residues are significantly enriched in individuals with disease (PMID: 9016532, 17078022) compared to the general population (ExAC). In summary, the currently available evidence indicates that the variant is pathogenic, but additional data are needed to prove that conclusively. Therefore, this variant has been classified as Likely Pathogenic.

Fulgent Genetics
Classification: Likely pathogenic for Brain small vessel disease 1 with or without ocular anomalies; Retinal arterial tortuosity; Autosomal dominant familial hematuria-retinal arteriolar tortuosity-contractures syndrome; Hemorrhage, intracerebral, susceptibility to; Microangiopathy and leukoencephalopathy, pontine, autosomal dominant. Last evaluated: 2024-01-12. Review status: criteria provided, single submitter. Criteria: ACMG Guidelines, 2015. Collection method: clinical testing. Allele origin: germline.

Literature cited by the submitters: PubMed 7695699 (cited by Labcorp Genetics (formerly Invitae), Labcorp); PubMed 8218237 (cited by Labcorp Genetics (formerly Invitae), Labcorp); PubMed 19344236 (cited by Labcorp Genetics (formerly Invitae), Labcorp); PubMed 9016532 (cited by Labcorp Genetics (formerly Invitae), Labcorp); PubMed 17078022 (cited by Labcorp Genetics (formerly Invitae), Labcorp).